The following is an entry in ClinVar:

ClinVar aggregate classification (germline): Conflicting classifications of pathogenicity. Review status: criteria provided, conflicting classifications (1 of 4 stars). 6 submissions from 6 submitters: Uncertain significance (1); Likely benign (2). 3 of the submissions do not count toward it. Last evaluated 2025-12-01.

Conditions:
TRPM1-related disorder. Also called: TRPM1-related condition.
Congenital stationary night blindness 1C. Also called: Night blindness, congenital stationary (complete), 1C, autosomal recessive. Identifiers: Orphanet 215, MedGen C2750747, MONDO:0013183, OMIM 613216.

Allele frequency attached by ClinVar (database versions not stated): TOPMed 0.00028; gnomAD exomes 0.00032; 1000 Genomes Project 0.00040; ExAC 0.00045; 1000 Genomes Project 30x 0.00047.
gnomAD v4.1: 567 of 1,560,928 alleles (0.036%); highest among the groups gnomAD compares: Middle Eastern, 0.1%; 1 homozygote.

Submissions (6):

Labcorp Genetics (formerly Invitae), Labcorp
Classification: Likely benign. Last evaluated: 2025-12-01. Review status: criteria provided, single submitter. Criteria: Invitae Variant Classification Sherloc (09022015). Collection method: clinical testing. Allele origin: germline.

Blueprint Genetics
Classification: Likely benign. Last evaluated: 2024-11-26. Review status: criteria provided, single submitter. Criteria: ACMG Guidelines, 2015. Collection method: clinical testing. Allele origin: germline.

Illumina Laboratory Services, Illumina
Classification: Uncertain significance for Congenital stationary night blindness 1C. Last evaluated: 2018-01-13. Review status: criteria provided, single submitter. Criteria: ICSL Variant Classification Criteria 13 December 2019. Collection method: clinical testing. Allele origin: germline.

PreventionGenetics, part of Exact Sciences
Classification: Likely benign for TRPM1-related condition. Last evaluated: 2019-10-31. Review status: no assertion criteria provided. Collection method: clinical testing. Allele origin: germline. Not counted in ClinVar's aggregate classification.
Comment: This variant is classified as likely benign based on ACMG/AMP sequence variant interpretation guidelines (Richards et al. 2015 PMID: 25741868, with internal and published modifications).

Clinical Genetics DNA and cytogenetics Diagnostics Lab, Erasmus MC, Erasmus Medical Center
Classification: Likely benign. Review status: no assertion criteria provided. Collection method: clinical testing. Allele origin: germline. Affected: yes. Study: VKGL Data-share Consensus. Not counted in ClinVar's aggregate classification.

Clinical Genetics, Academic Medical Center
Classification: Likely benign. Review status: no assertion criteria provided. Collection method: clinical testing. Allele origin: germline. Affected: yes. Study: VKGL Data-share Consensus. Not counted in ClinVar's aggregate classification.

NM_001252024.2(TRPM1):c.1795-8C>G

Gene: TRPM1 (transient receptor potential cation channel subfamily M member 1; minus strand). Cytogenetic location: 15q13.3.
Variant type: single nucleotide variant.
Coding change: c.1795-8C>G on transcript NM_001252024.2 (MANE Select); 8 bases into the intron before coding-DNA position 1795, C replaced by G.
Molecular consequence: intron variant.
Genome position (GRCh38, 1-based): chr15:31,042,251, G>C on the plus strand (C>G on the coding strand, the complement: TRPM1 is on the minus strand). VCF-style: chr15-31042251-G-C. GRCh37 (hg19) VCF-style: chr15-31334454-G-C.
Other names: c.1846-8C>G (NM_001252020.2, NM_001252020.1); c.1729-8C>G (NM_002420.6).
Identifiers: ClinVar variation 887383 (VCV000887383.18), dbSNP rs183856964, ClinGen allele CA7452398.